The following is an entry in ClinVar:

ClinVar aggregate classification (germline): Uncertain significance (1 of 4 stars; one submission).

Conditions:
Inborn genetic diseases. Identifiers: MedGen C0950123, MeSH D030342.

Submission:

Ambry Genetics
Classification: Uncertain significance for Inborn genetic diseases. Last evaluated: 2026-03-10. Review status: criteria provided, single submitter. Criteria: Ambry Variant Classification Scheme 2023. Collection method: clinical testing. Allele origin: germline.
Comment: The p.G410R variant (also known as c.1228G>C), located in coding exon 5 of the GATA2 gene, results from a G to C substitution at nucleotide position 1228. The glycine at codon 410 is replaced by arginine, an amino acid with dissimilar properties. This amino acid position is conserved. In addition, the in silico prediction for this alteration is inconclusive. Based on the available evidence, the clinical significance of this variant remains unclear.

NM_032638.5(GATA2):c.1228G>C (p.Gly410Arg)

Gene: GATA2 (GATA binding protein 2; minus strand). Cytogenetic location: 3q21.3.
Variant type: single nucleotide variant.
Coding change: c.1228G>C on transcript NM_032638.5 (MANE Select); coding-DNA position 1228, G replaced by C.
Protein change: p.Gly410Arg; replaces glycine 410 with arginine.
Molecular consequence: missense variant.
Genome position (GRCh38, 1-based): chr3:128,481,234, C>G on the plus strand (G>C on the coding strand, the complement: GATA2 is on the minus strand). VCF-style: chr3-128481234-C-G. GRCh37 (hg19) VCF-style: chr3-128200077-C-G.
Other names: c.1228G>C, p.Gly410Arg (NM_001145661.2); c.1186G>C, p.Gly396Arg (NM_001145662.1); short protein forms G410R, G396R.
Identifiers: ClinVar variation 4826585 (VCV004826585.1).